The following is an entry in ClinVar:

NM_000532.5(PCCB):c.583C>G (p.Leu195Val)

Gene: PCCB (propionyl-CoA carboxylase subunit beta; plus strand). Cytogenetic location: 3q22.3.
Variant type: single nucleotide variant.
Coding change: c.583C>G on transcript NM_000532.5 (MANE Select); coding-DNA position 583, C replaced by G.
Protein change: p.Leu195Val; replaces leucine 195 with valine.
Molecular consequence: missense variant.
Genome position (GRCh38, 1-based): chr3:136,283,876, C>G. VCF-style: chr3-136283876-C-G. GRCh37 (hg19) VCF-style: chr3-136002718-C-G.
Other names: c.643C>G, p.Leu215Val (NM_001178014.2); short protein forms L215V, L195V.
Identifiers: ClinVar variation 1429031 (VCV001429031.6), dbSNP rs747267484, ClinGen allele CA2631787.

ClinVar aggregate classification (germline): Uncertain significance (1 of 4 stars; one submission).

Conditions:
Propionic acidemia (PROP). Also called: GLYCINEMIA, KETOTIC; HYPERGLYCINEMIA WITH KETOACIDOSIS AND LEUKOPENIA; KETOTIC HYPERGLYCINEMIA. Identifiers: Orphanet 35, MedGen C0268579, MONDO:0011628, OMIM 606054, HP:0003571.

Allele frequency attached by ClinVar (database versions not stated): gnomAD exomes below 0.00001 and 0.00001; gnomAD 0.00001; ExAC 0.00002.
gnomAD v4.1: 5 of 1,613,812 alleles (0.00031%); highest among the groups gnomAD compares: Non-Finnish European, 0.00042%; no homozygotes.

Submission:

Labcorp Genetics (formerly Invitae), Labcorp
Classification: Uncertain significance for Propionic acidemia. Last evaluated: 2023-12-20. Review status: criteria provided, single submitter. Criteria: Invitae Variant Classification Sherloc (09022015). Collection method: clinical testing. Allele origin: germline.
Comment: This sequence change replaces leucine, which is neutral and non-polar, with valine, which is neutral and non-polar, at codon 195 of the PCCB protein (p.Leu195Val). This variant is present in population databases (rs747267484, gnomAD 0.0009%). This variant has not been reported in the literature in individuals affected with PCCB-related conditions. ClinVar contains an entry for this variant (Variation ID: 1429031). Advanced modeling of protein sequence and biophysical properties (such as structural, functional, and spatial information, amino acid conservation, physicochemical variation, residue mobility, and thermodynamic stability) performed at Invitae indicates that this missense variant is not expected to disrupt PCCB protein function with a negative predictive value of 95%. In summary, the available evidence is currently insufficient to determine the role of this variant in disease. Therefore, it has been classified as a Variant of Uncertain Significance.